The following is an entry in ClinVar:

ClinVar aggregate classification (germline): Uncertain significance (1 of 4 stars; one submission).

Conditions:
Inflammatory skin and bowel disease, neonatal, 1. Identifiers: Orphanet 294023, MedGen C3280501, MONDO:0013693, OMIM 614328.

Submission:

Labcorp Genetics (formerly Invitae), Labcorp
Classification: Uncertain significance for Inflammatory skin and bowel disease, neonatal, 1. Last evaluated: 2019-02-03. Review status: criteria provided, single submitter. Criteria: Invitae Variant Classification Sherloc (09022015). Collection method: clinical testing. Allele origin: germline.
Comment: In summary, the available evidence is currently insufficient to determine the role of this variant in disease. Therefore, it has been classified as a Variant of Uncertain Significance. Algorithms developed to predict the effect of missense changes on protein structure and function are either unavailable or do not agree on the potential impact of this missense change (SIFT: "Deleterious"; PolyPhen-2: "Possibly Damaging"; Align-GVGD: "Class C0"). This variant has not been reported in the literature in individuals with ADAM17-related conditions. This variant is not present in population databases (ExAC no frequency). This sequence change replaces serine with threonine at codon 553 of the ADAM17 protein (p.Ser553Thr). The serine residue is highly conserved and there is a small physicochemical difference between serine and threonine.

NM_003183.6(ADAM17):c.1658G>C (p.Ser553Thr)

Genes: ADAM17 (ADAM metallopeptidase domain 17; minus strand), IAH1 (isoamyl acetate hydrolyzing esterase 1 (putative); plus strand). Cytogenetic location: 2p25.1.
Variant type: single nucleotide variant.
Coding change: c.1658G>C on transcript NM_003183.6 (MANE Select); coding-DNA position 1658, G replaced by C.
Protein change: p.Ser553Thr; replaces serine 553 with threonine.
Molecular consequence: missense variant.
Genome position (GRCh38, 1-based): chr2:9,497,239, C>G on the plus strand (G>C on the coding strand, the complement: ADAM17 is on the minus strand). VCF-style: chr2-9497239-C-G. GRCh37 (hg19) VCF-style: chr2-9637368-C-G.
Other names: short protein forms S553T.
Identifiers: ClinVar variation 844806 (VCV000844806.8), dbSNP rs1662677874, ClinGen allele CA345775861.